The following is an entry in ClinVar:

NM_001010874.5(TECRL):c.332-3T>C

Gene: TECRL (trans-2,3-enoyl-CoA reductase like; minus strand). Cytogenetic location: 4q13.1.
Variant type: single nucleotide variant.
Coding change: c.332-3T>C on transcript NM_001010874.5 (MANE Select); 3 bases into the intron before coding-DNA position 332, T replaced by C.
Molecular consequence: intron variant.
Genome position (GRCh38, 1-based): chr4:64,322,795, A>G on the plus strand (T>C on the coding strand, the complement: TECRL is on the minus strand). VCF-style: chr4-64322795-A-G. GRCh37 (hg19) VCF-style: chr4-65188513-A-G.
Other names: c.332-3T>C (NM_001363796.1).
Identifiers: ClinVar variation 1730226 (VCV001730226.2), dbSNP rs1717997993, ClinGen allele CA1463678690.

ClinVar aggregate classification (germline): Uncertain significance (1 of 4 stars; one submission).

Conditions:
Cardiovascular phenotype. Identifiers: MedGen CN230736.

Allele frequency attached by ClinVar (database versions not stated): TOPMed below 0.00001.
gnomAD v4.1: 2 of 1,583,226 alleles (0.00013%); no homozygotes.

Submission:

Ambry Genetics
Classification: Uncertain significance for Cardiovascular phenotype. Last evaluated: 2021-02-19. Review status: criteria provided, single submitter. Criteria: Ambry Variant Classification Scheme 2023. Collection method: clinical testing. Allele origin: germline.
Comment: The c.332-3T>C intronic variant results from a T to C substitution 3 nucleotides upstream from coding exon 4 in the TECRL gene. This nucleotide position is not well conserved in available vertebrate species. In silico splice site analysis predicts that this alteration will not have any significant effect on splicing. Since supporting evidence is limited at this time, the clinical significance of this alteration remains unclear.